The following is an entry in ClinVar:

ClinVar aggregate classification (germline): Uncertain significance. Review status: criteria provided, multiple submitters, no conflicts (2 of 4 stars). 3 submissions from 3 submitters: Uncertain significance (3). Last evaluated 2024-10-16.

Conditions:
Hereditary cancer-predisposing syndrome. Also called: Tumor predisposition; Neoplastic Syndromes, Hereditary; Hereditary Cancer Syndrome; Hereditary neoplastic syndrome. Identifiers: Orphanet 140162, MedGen C0027672, MeSH D009386, MONDO:0015356.
Cerebroretinal microangiopathy with calcifications and cysts 3 (CRMCC3). Identifiers: MedGen C5830497, MONDO:0957264, OMIM 620368.
Pulmonary fibrosis and/or bone marrow failure syndrome, telomere-related, 8 (PFBMFT8). Identifiers: MedGen C5830496, MONDO:0957263, OMIM 620367.
Tumor predisposition syndrome 3 (TPDS3). Also called: Melanoma, cutaneous malignant, susceptibility to, 10; Glioma susceptibility 9; LONG TELOMERE SYNDROME, POT1-RELATED; POT1 Tumor Predisposition. Identifiers: Orphanet 618, MedGen C4014476, MONDO:0014368, OMIM 615848.

Allele frequency attached by ClinVar (database versions not stated): gnomAD exomes below 0.00001.
gnomAD v4.1: 4 of 1,600,632 alleles (0.00025%); highest among the groups gnomAD compares: Non-Finnish European, 0.00034%; no homozygotes.

Submissions (3):

Labcorp Genetics (formerly Invitae), Labcorp
Classification: Uncertain significance for Tumor predisposition syndrome 3. Last evaluated: 2024-10-16. Review status: criteria provided, single submitter. Criteria: Invitae Variant Classification Sherloc (09022015). Collection method: clinical testing. Allele origin: germline.
Comment: This sequence change replaces threonine, which is neutral and polar, with isoleucine, which is neutral and non-polar, at codon 545 of the POT1 protein (p.Thr545Ile). This variant is not present in population databases (gnomAD no frequency). This variant has not been reported in the literature in individuals affected with POT1-related conditions. ClinVar contains an entry for this variant (Variation ID: 1405674). Invitae Evidence Modeling of protein sequence and biophysical properties (such as structural, functional, and spatial information, amino acid conservation, physicochemical variation, residue mobility, and thermodynamic stability) indicates that this missense variant is not expected to disrupt POT1 protein function with a negative predictive value of 80%. In summary, the available evidence is currently insufficient to determine the role of this variant in disease. Therefore, it has been classified as a Variant of Uncertain Significance.

Fulgent Genetics
Classification: Uncertain significance for Tumor predisposition syndrome 3; Pulmonary fibrosis and/or bone marrow failure syndrome, telomere-related, 8; Cerebroretinal microangiopathy with calcifications and cysts 3. Last evaluated: 2024-05-22. Review status: criteria provided, single submitter. Criteria: ACMG Guidelines, 2015. Collection method: clinical testing. Allele origin: germline.

Ambry Genetics
Classification: Uncertain significance for Hereditary cancer-predisposing syndrome. Last evaluated: 2021-07-07. Review status: criteria provided, single submitter. Criteria: Ambry Variant Classification Scheme 2023. Collection method: clinical testing. Allele origin: germline.
Comment: The p.T545I variant (also known as c.1634C>T), located in coding exon 13 of the POT1 gene, results from a C to T substitution at nucleotide position 1634. The threonine at codon 545 is replaced by isoleucine, an amino acid with similar properties. This amino acid position is well conserved in available vertebrate species. In addition, this alteration is predicted to be tolerated by in silico analysis. Since supporting evidence is limited at this time, the clinical significance of this alteration remains unclear.

NM_015450.3(POT1):c.1634C>T (p.Thr545Ile)

Gene: POT1 (protection of telomeres 1; minus strand). Cytogenetic location: 7q31.33.
Variant type: single nucleotide variant.
Coding change: c.1634C>T on transcript NM_015450.3 (MANE Select); coding-DNA position 1634, C replaced by T.
Protein change: p.Thr545Ile; replaces threonine 545 with isoleucine.
Molecular consequence: missense variant. On other transcripts: non-coding transcript variant (3).
Genome position (GRCh38, 1-based): chr7:124,827,266, G>A on the plus strand (C>T on the coding strand, the complement: POT1 is on the minus strand). VCF-style: chr7-124827266-G-A. GRCh37 (hg19) VCF-style: chr7-124467320-G-A.
Other names: c.1241C>T, p.Thr414Ile (NM_001042594.2); short protein forms T414I, T545I.
Identifiers: ClinVar variation 1405674 (VCV001405674.9), dbSNP rs2116414961, ClinGen allele CA369063096.
Genomic context (GRCh38, chr7:124,827,266, plus strand): 5'-ATACTTACAGAATCCATGAGATAGGCTTCTAGTACTCCTGTTCCATCATCAAGTGTAAAG[G>A]TCATAACAAACACATATTGGAGGGGTACAATACCCAGTGCTAGTGAAGGAAAAAAAGATC-3'
Protein context (NP_056265.2, residues 535-555): IVPLQYVFVM[Thr545Ile]FTLDDGTGVL